The following is an entry in ClinVar:

ClinVar aggregate classification (germline): Uncertain significance (1 of 4 stars; one submission).

Allele frequency attached by ClinVar (database versions not stated): gnomAD exomes 0.00003 and 0.00004; ExAC 0.00005; gnomAD 0.00015 and 0.00017; 1000 Genomes Project 30x 0.00016; 1000 Genomes Project 0.00020; TOPMed 0.00020; ESP Exome Variant Server 0.00038.
gnomAD v4.1: 65 of 1,611,656 alleles (0.004%); highest among the groups gnomAD compares: African/African-American, 0.067%; no homozygotes.

Submission:

Labcorp Genetics (formerly Invitae), Labcorp
Classification: Uncertain significance. Last evaluated: 2024-11-11. Review status: criteria provided, single submitter. Criteria: Invitae Variant Classification Sherloc (09022015). Collection method: clinical testing. Allele origin: germline.
Comment: This sequence change replaces tryptophan, which is neutral and slightly polar, with cysteine, which is neutral and slightly polar, at codon 45 of the NDUFA4 protein (p.Trp45Cys). This variant is present in population databases (rs147902841, gnomAD 0.05%). This missense change has been observed in individual(s) with clinical features of complex I deficiency (PMID: 20818383). ClinVar contains an entry for this variant (Variation ID: 1447744). An algorithm developed to predict the effect of missense changes on protein structure and function (PolyPhen-2) suggests that this variant is likely to be disruptive. In summary, the available evidence is currently insufficient to determine the role of this variant in disease. Therefore, it has been classified as a Variant of Uncertain Significance.

Literature cited by the submitters: PubMed 20818383.

NM_002489.4(NDUFA4):c.135G>C (p.Trp45Cys)

Gene: NDUFA4 (NDUFA4 mitochondrial complex associated; minus strand). Cytogenetic location: 7p21.3.
Variant type: single nucleotide variant.
Coding change: c.135G>C on transcript NM_002489.4 (MANE Select); coding-DNA position 135, G replaced by C.
Protein change: p.Trp45Cys; replaces tryptophan 45 with cysteine.
Molecular consequence: missense variant.
Genome position (GRCh38, 1-based): chr7:10,938,144, C>G on the plus strand (G>C on the coding strand, the complement: NDUFA4 is on the minus strand). VCF-style: chr7-10938144-C-G. GRCh37 (hg19) VCF-style: chr7-10977771-C-G.
Other names: short protein forms W45C.
Identifiers: ClinVar variation 1447744 (VCV001447744.7), dbSNP rs147902841, ClinGen allele CA4162578.